The following is an entry in ClinVar:

ClinVar aggregate classification (germline): Uncertain significance (1 of 4 stars; one submission).

Conditions:
Combined immunodeficiency due to LRBA deficiency. Also called: Common variable immunodeficiency 8, with autoimmunity. Identifiers: Orphanet 445018, MedGen C3553512, MONDO:0013863, OMIM 614700.

Allele frequency attached by ClinVar (database versions not stated): gnomAD 0.00001; gnomAD exomes 0.00002 and 0.00009; TOPMed 0.00002; ExAC 0.00009.
gnomAD v4.1: 27 of 1,613,778 alleles (0.0017%); highest among the groups gnomAD compares: Admixed American, 0.038%; no homozygotes.

Submission:

Labcorp Genetics (formerly Invitae), Labcorp
Classification: Uncertain significance for Combined immunodeficiency due to LRBA deficiency. Last evaluated: 2022-07-19. Review status: criteria provided, single submitter. Criteria: Invitae Variant Classification Sherloc (09022015). Collection method: clinical testing. Allele origin: germline.
Comment: This sequence change replaces tyrosine, which is neutral and polar, with cysteine, which is neutral and slightly polar, at codon 904 of the LRBA protein (p.Tyr904Cys). This variant is present in population databases (rs767955681, gnomAD 0.06%). This variant has not been reported in the literature in individuals affected with LRBA-related conditions. ClinVar contains an entry for this variant (Variation ID: 657159). Algorithms developed to predict the effect of missense changes on protein structure and function are either unavailable or do not agree on the potential impact of this missense change (SIFT: "Tolerated"; PolyPhen-2: "Probably Damaging"; Align-GVGD: "Class C0"). Algorithms developed to predict the effect of sequence changes on RNA splicing suggest that this variant may create or strengthen a splice site. In summary, the available evidence is currently insufficient to determine the role of this variant in disease. Therefore, it has been classified as a Variant of Uncertain Significance.

NM_001364905.1(LRBA):c.2711A>G (p.Tyr904Cys)

Gene: LRBA (LPS responsive beige-like anchor protein; minus strand). Cytogenetic location: 4q31.3.
Variant type: single nucleotide variant.
Coding change: c.2711A>G on transcript NM_001364905.1 (MANE Select); coding-DNA position 2711, A replaced by G.
Protein change: p.Tyr904Cys; replaces tyrosine 904 with cysteine.
Molecular consequence: missense variant.
Genome position (GRCh38, 1-based): chr4:150,867,726, T>C on the plus strand (A>G on the coding strand, the complement: LRBA is on the minus strand). VCF-style: chr4-150867726-T-C. GRCh37 (hg19) VCF-style: chr4-151788878-T-C.
Other names: c.2711A>G, p.Tyr904Cys (NM_001199282.3, NM_001367550.1, NM_006726.5); short protein forms Y904C.
Identifiers: ClinVar variation 657159 (VCV000657159.6), dbSNP rs767955681, ClinGen allele CA3103167.